The following is an entry in ClinVar:

ClinVar aggregate classification (germline): Likely benign (1 of 4 stars; one submission).

Conditions:
Hereditary breast ovarian cancer syndrome. Also called: Hereditary breast and/or ovarian cancer syndrome; BRCA1- and BRCA2-Associated Hereditary Breast and Ovarian Cancer; Hereditary breast and ovarian cancer syndrome; Hereditary breast and ovarian cancer; Hereditary breast and ovarian cancer syndrome (HBOC); Breast and ovarian cancer. Identifiers: Orphanet 145, MedGen C0677776, MeSH D061325, MONDO:0003582. Disease mechanism: loss of function.

Submissions (2):

Labcorp Genetics (formerly Invitae), Labcorp
Classification: Likely benign for Hereditary breast ovarian cancer syndrome. Last evaluated: 2025-11-25. Review status: criteria provided, single submitter. Criteria: Invitae Variant Classification Sherloc (09022015). Collection method: clinical testing. Allele origin: germline.

Brotman Baty Institute, University of Washington
No classification provided (evidence only). Condition: Breast-ovarian cancer, familial 1. Review status: no classification provided. Collection method: in vitro. Allele origin: not applicable. Functional consequence: functionally_normal. Not counted in ClinVar's aggregate classification.
ClinVar note: "not provided" was previously submitted as the classification for the variant. However, the classification appeared to be based only on an observation of functional data so it was converted to no classification on 2025-07-30.

NM_007294.4(BRCA1):c.5333-7A>T

Gene: BRCA1 (BRCA1 DNA repair associated; minus strand). Cytogenetic location: 17q21.31.
Variant type: single nucleotide variant.
Coding change: c.5333-7A>T on transcript NM_007294.4 (MANE Select); 7 bases into the intron before coding-DNA position 5333, A replaced by T.
Molecular consequence: intron variant.
Genome position (GRCh38, 1-based): chr17:43,049,201, T>A on the plus strand (A>T on the coding strand, the complement: BRCA1 is on the minus strand). VCF-style: chr17-43049201-T-A. GRCh37 (hg19) VCF-style: chr17-41201218-T-A.
Other names: c.1880-7A>T (NM_001408458.1, NM_001408461.1, NM_001408464.1 and 7 more transcripts); c.4442-7A>T (NM_001407967.1); c.4952-7A>T (NM_001407959.1); c.5066-7A>T (NM_001407931.1, NM_001407932.1, NM_001407928.1 and 4 more transcripts); c.5189-7A>T (NM_001407747.1, NM_001407745.1, NM_001407737.1 and 18 more transcripts); c.4949-7A>T (NM_001407962.1, NM_001407960.1); c.1520-7A>T (NM_001408512.1); c.1643-7A>T (NM_001408510.1); and 84 more.
Identifiers: ClinVar variation 865626 (VCV000865626.4), dbSNP rs538969920, ClinGen allele CA916080891.
Genomic context (GRCh38, chr17:43,049,201, plus strand): 5'-AAAGCTCCTTCACCACAGAAGCACCACACAGCTGTACCATCCATTCCAGTTGATCTAAAA[T>A]GGACATTTAGATGTAAAATCACTGCAGTAATCTGCATACTTAACCCAGGCCCTCTACCCT-3'